The following is an entry in ClinVar:

NM_000350.3(ABCA4):c.2836G>A (p.Val946Met)

Gene: ABCA4 (ATP binding cassette subfamily A member 4; minus strand). Cytogenetic location: 1p22.1.
Variant type: single nucleotide variant.
Coding change: c.2836G>A on transcript NM_000350.3 (MANE Select); coding-DNA position 2836, G replaced by A.
Protein change: p.Val946Met; replaces valine 946 with methionine.
Molecular consequence: missense variant.
Genome position (GRCh38, 1-based): chr1:94,047,001, C>T on the plus strand (G>A on the coding strand, the complement: ABCA4 is on the minus strand). VCF-style: chr1-94047001-C-T. GRCh37 (hg19) VCF-style: chr1-94512557-C-T.
Other names: c.2614G>A, p.Val872Met (NM_001425324.1); short protein forms V872M, V946M.
Identifiers: ClinVar variation 3384863 (VCV003384863.1).

ClinVar aggregate classification (germline): Uncertain significance (1 of 4 stars; one submission).

Submission:

Women's Health and Genetics/Laboratory Corporation of America, LabCorp
Classification: Uncertain significance. Last evaluated: 2024-10-08. Review status: criteria provided, single submitter. Criteria: LabCorp Variant Classification Summary - May 2015. Collection method: clinical testing. Allele origin: germline.
Comment: Variant summary: ABCA4 c.2836G>A (p.Val946Met) results in a conservative amino acid change in the encoded protein sequence. Four of five in-silico tools predict a damaging effect of the variant on protein function. The variant was absent in 251422 control chromosomes. The available data on variant occurrences in the general population are insufficient to allow any conclusion about variant significance. c.2836G>A has been reported in the literature in individuals affected with Stargardt Disease (Gopinath_2024). These data do not allow any conclusion about variant significance. To our knowledge, no experimental evidence demonstrating an impact on protein function has been reported. The following publication have been ascertained in the context of this evaluation (PMID: 36648511). No submitters have cited clinical-significance assessments for this variant to ClinVar. Based on the evidence outlined above, the variant was classified as uncertain significance.

Literature cited by the submitters: PubMed 36648511.